The following is an entry in ClinVar:

NM_020366.4(RPGRIP1):c.2724C>T (p.Leu908=)

Gene: RPGRIP1 (RPGR interacting protein 1; plus strand). Cytogenetic location: 14q11.2.
Variant type: single nucleotide variant.
Coding change: c.2724C>T on transcript NM_020366.4 (MANE Select); coding-DNA position 2724, C replaced by T.
Protein change: p.Leu908=; no amino-acid change (leucine 908 retained).
Molecular consequence: synonymous variant.
Genome position (GRCh38, 1-based): chr14:21,327,636, C>T. VCF-style: chr14-21327636-C-T. GRCh37 (hg19) VCF-style: chr14-21795795-C-T.
Other names: c.702C>T, p.Leu234= (NM_001377523.1, NM_001377950.1); c.1650C>T, p.Leu550= (NM_001377948.1); c.810C>T, p.Leu270= (NM_001377949.1); c.204C>T, p.Leu68= (NM_001377951.1).
Identifiers: ClinVar variation 4997574 (VCV004997574.1).
Genomic context (GRCh38, chr14:21,327,636, plus strand): 5'-GCTTATTTCATGTGATCAGGTCTTATTAATATCTGTTTGTTTCTCAGGTGATTTTAACCT[C>T]ACTGACCCTGCAGAGAAACCCAACGGATCTATTCAAGTGCAACTGGATTGGAAGTTTCCC-3'
Protein context (NP_065099.3, residues 898-918): KNESIKGDFN[Leu908=]TDPAEKPNGS

ClinVar aggregate classification (germline): Likely benign (1 of 4 stars; one submission).

Conditions:
RPGRIP1-related disorder. Also called: RPGRIP1-related condition.

Submission:

PreventionGenetics, part of Exact Sciences
Classification: Likely benign for RPGRIP1-related condition. Last evaluated: 2025-06-02. Review status: criteria provided, single submitter. Criteria: ACMG Guidelines, 2015. Collection method: clinical testing. Allele origin: germline.
Comment: This variant is classified as likely benign based on ACMG/AMP sequence variant interpretation guidelines (Richards et al. 2015 PMID: 25741868, with internal and published modifications).